The following is an entry in ClinVar:

NM_006084.5(IRF9):c.1115A>T (p.Gln372Leu)

Gene: IRF9 (interferon regulatory factor 9; plus strand). Cytogenetic location: 14q12.
Variant type: single nucleotide variant.
Coding change: c.1115A>T on transcript NM_006084.5 (MANE Select); coding-DNA position 1115, A replaced by T.
Protein change: p.Gln372Leu; replaces glutamine 372 with leucine.
Molecular consequence: missense variant. On other transcripts: synonymous variant (2).
Genome position (GRCh38, 1-based): chr14:24,166,129, A>T. VCF-style: chr14-24166129-A-T. GRCh37 (hg19) VCF-style: chr14-24635338-A-T.
Other names: c.1269A>T, p.Ala423= (NM_001385400.1); c.1142A>T, p.Gln381Leu (NM_001385401.1); c.852A>T, p.Ala284= (NM_001385402.1); short protein forms Q372L, Q381L.
Identifiers: ClinVar variation 2112844 (VCV002112844.4), dbSNP rs1201080325, ClinGen allele CA389216114.

ClinVar aggregate classification (germline): Uncertain significance (1 of 4 stars; one submission).

Allele frequency attached by ClinVar (database versions not stated): gnomAD exomes below 0.00001; TOPMed below 0.00001; gnomAD 0.00001.
gnomAD v4.1: 3 of 1,613,864 alleles (0.00019%); highest among the groups gnomAD compares: African/African-American, 0.0013%; no homozygotes.

Submission:

Labcorp Genetics (formerly Invitae), Labcorp
Classification: Uncertain significance. Last evaluated: 2023-12-11. Review status: criteria provided, single submitter. Criteria: Invitae Variant Classification Sherloc (09022015). Collection method: clinical testing. Allele origin: germline.
Comment: This sequence change replaces glutamine, which is neutral and polar, with leucine, which is neutral and non-polar, at codon 372 of the IRF9 protein (p.Gln372Leu). This variant is not present in population databases (gnomAD no frequency). This variant has not been reported in the literature in individuals affected with IRF9-related conditions. ClinVar contains an entry for this variant (Variation ID: 2112844). An algorithm developed to predict the effect of missense changes on protein structure and function (PolyPhen-2) suggests that this variant is likely to be disruptive. In summary, the available evidence is currently insufficient to determine the role of this variant in disease. Therefore, it has been classified as a Variant of Uncertain Significance.